The following is an entry in ClinVar:

NM_001129.5(AEBP1):c.2978T>A (p.Ile993Asn)

Gene: AEBP1 (AE binding protein 1; plus strand). Cytogenetic location: 7p13.
Variant type: single nucleotide variant.
Coding change: c.2978T>A on transcript NM_001129.5 (MANE Select); coding-DNA position 2978, T replaced by A.
Protein change: p.Ile993Asn; replaces isoleucine 993 with asparagine.
Molecular consequence: missense variant.
Genome position (GRCh38, 1-based): chr7:44,113,762, T>A. VCF-style: chr7-44113762-T-A. GRCh37 (hg19) VCF-style: chr7-44153361-T-A.
Other names: short protein forms I993N.
Identifiers: ClinVar variation 4526297 (VCV004526297.2).

ClinVar aggregate classification (germline): Uncertain significance (1 of 4 stars; one submission).

gnomAD v4.1: 12 of 1,613,818 alleles (0.00074%); highest among the groups gnomAD compares: Non-Finnish European, 0.001%; no homozygotes.

Submission:

Women's Health and Genetics/Laboratory Corporation of America, LabCorp
Classification: Uncertain significance. Last evaluated: 2026-03-30. Review status: criteria provided, single submitter. Criteria: LabCorp Variant Classification Summary - May 2015. Collection method: clinical testing. Allele origin: germline.
Comment: Variant summary: AEBP1 c.2978T>A (p.Ile993Asn) results in a non-conservative amino acid change in the encoded protein sequence. Algorithms developed to predict the effect of missense changes on protein structure and function are either unavailable or do not agree on the potential impact of this missense change. The variant allele was found at a frequency of 1.2e-05 in 251376 control chromosomes. The available data on variant occurrences in the general population are insufficient to allow any conclusion about variant significance. To our knowledge, no occurrence of c.2978T>A in individuals affected with AEBP1-related conditions and no experimental evidence demonstrating its impact on protein function have been reported. ClinVar contains an entry for this variant (Variation ID: 4526297). Based on the evidence outlined above, the variant was classified as uncertain significance.